The following is an entry in ClinVar:

ClinVar aggregate classification (germline): Uncertain significance (1 of 4 stars; one submission).

Allele frequency attached by ClinVar (database versions not stated): gnomAD exomes below 0.00001.
gnomAD v4.1: 5 of 1,614,160 alleles (0.00031%); highest among the groups gnomAD compares: Non-Finnish European, 0.00042%; no homozygotes.

Submission:

Ambry Genetics
Classification: Uncertain significance. Last evaluated: 2024-03-06. Review status: criteria provided, single submitter. Criteria: Ambry Variant Classification Scheme 2023. Collection method: clinical testing. Allele origin: germline.
Comment: The p.N681D variant (also known as c.2041A>G), located in coding exon 13 of the NPAT gene, results from an A to G substitution at nucleotide position 2041. The asparagine at codon 681 is replaced by aspartic acid, an amino acid with highly similar properties. This amino acid position is conserved. In addition, this alteration is predicted to be tolerated by in silico analysis. Since supporting evidence is limited at this time, the clinical significance of this alteration remains unclear.

NM_002519.3(NPAT):c.2041A>G (p.Asn681Asp)

Gene: NPAT (nuclear protein, coactivator of histone transcription; minus strand). Cytogenetic location: 11q22.3.
Variant type: single nucleotide variant.
Coding change: c.2041A>G on transcript NM_002519.3 (MANE Select); coding-DNA position 2041, A replaced by G.
Protein change: p.Asn681Asp; replaces asparagine 681 with aspartic acid.
Molecular consequence: missense variant.
Genome position (GRCh38, 1-based): chr11:108,172,943, T>C on the plus strand (A>G on the coding strand, the complement: NPAT is on the minus strand). VCF-style: chr11-108172943-T-C. GRCh37 (hg19) VCF-style: chr11-108043670-T-C.
Other names: c.2041A>G, p.Asn681Asp (NM_001321307.1); short protein forms N681D.
Identifiers: ClinVar variation 1784910 (VCV001784910.2), dbSNP rs1193701064, ClinGen allele CA382513810.